The following is an entry in ClinVar:

NM_014714.4(IFT140):c.409C>T (p.Arg137Ter)

Genes: IFT140 (intraflagellar transport 140; minus strand), LOC105371046 (uncharacterized LOC105371046; plus strand). Cytogenetic location: 16p13.3.
Variant type: single nucleotide variant.
Coding change: c.409C>T on transcript NM_014714.4 (MANE Select); coding-DNA position 409, C replaced by T.
Protein change: p.Arg137Ter; replaces arginine 137 with a stop codon.
Molecular consequence: nonsense.
Genome position (GRCh38, 1-based): chr16:1,592,549, G>A on the plus strand (C>T on the coding strand, the complement: IFT140 is on the minus strand). VCF-style: chr16-1592549-G-A. GRCh37 (hg19) VCF-style: chr16-1642550-G-A.
Other names: short protein forms R137*.
Identifiers: ClinVar variation 867028 (VCV000867028.31), dbSNP rs762817061, ClinGen allele CA7814710.

ClinVar aggregate classification (germline): Pathogenic/Likely pathogenic. Review status: criteria provided, multiple submitters, no conflicts (2 of 4 stars). 5 submissions from 5 submitters: Pathogenic (2); Likely pathogenic (3). Last evaluated 2025-04-17.

Conditions:
Renal cyst. Also called: Renal cysts; cystic kidneys; Cystic kidney disease. Identifiers: MedGen C3887499, MONDO:0002473, HP:0000107.
IFT140-related disorders.
Saldino-Mainzer syndrome (SRTD9). Also called: Renal dysplasia, retinal pigmentary dystrophy, cerebellar ataxia and skeletal dysplasia; CONORENAL SYNDROME; SHORT-RIB THORACIC DYSPLASIA 9 WITHOUT POLYDACTYLY; short-rib thoracic dysplasia 9 with or without polydactyly. Identifiers: Orphanet 140969, MedGen C1849437, MONDO:0009964, OMIM 266920.
Retinitis pigmentosa 80 (RP80). Identifiers: MedGen C4540439, MONDO:0054708, OMIM 617781.

Allele frequency attached by ClinVar (database versions not stated): ExAC 0.00001; gnomAD 0.00001; gnomAD exomes 0.00001; TOPMed 0.00002.
gnomAD v4.1: 13 of 1,614,094 alleles (0.00081%); highest among the groups gnomAD compares: Middle Eastern, 0.016%; no homozygotes.

Submissions (5):

Labcorp Genetics (formerly Invitae), Labcorp
Classification: Pathogenic for Saldino-Mainzer syndrome. Last evaluated: 2025-04-17. Review status: criteria provided, single submitter. Criteria: Invitae Variant Classification Sherloc (09022015). Collection method: clinical testing. Allele origin: germline.
Comment: This sequence change creates a premature translational stop signal (p.Arg137*) in the IFT140 gene. It is expected to result in an absent or disrupted protein product. Loss-of-function variants in IFT140 are known to be pathogenic (PMID: 22503633, 23418020, 24009529, 26216056). This variant is present in population databases (rs762817061, gnomAD 0.007%). This premature translational stop signal has been observed in individual(s) with IFT140-related conditions (PMID: 36460718). ClinVar contains an entry for this variant (Variation ID: 867028). For these reasons, this variant has been classified as Pathogenic.

Victorian Clinical Genetics Services, Murdoch Childrens Research Institute
Classification: Pathogenic for Renal cyst. Last evaluated: 2025-01-14. Review status: criteria provided, single submitter. Criteria: ACMG Guidelines, 2015. Collection method: clinical testing. Allele origin: germline. Affected: yes.
Comment: This variant is classified as Pathogenic. Evidence in support of pathogenic classification: Variant is predicted to cause nonsense-mediated decay (NMD) and loss of protein (premature termination codon is located at least 54 nucleotides upstream of the final exon-exon junction); Variant is present in gnomAD <0.01 (v4: 13 heterozygote(s), 0 homozygote(s)) ; This variant has moderate previous evidence of pathogenicity in unrelated individuals. This variant has been classified twice as likely pathogenic and once as pathogenic by clinical laboratories (ClinVar); Other NMD-predicted variants comparable to the one identified in this case have very strong previous evidence for pathogenicity (DECIPHER). These variants have been reported in families with later onset autosomal dominant polycystic kidney disease (PMID: 34890546) and autosomal recessive IFT140-related conditions (PMIDs: 22503633, 26968735). Additional information: This variant is heterozygous; This gene is associated with both recessive and dominant disease. Retinitis pigmentosa 80 (MIM#617781) and short-rib thoracic dysplasia 9 with or without polydactyly (MIM#266920) are inherited in an autosomal recessive manner, while cystic kidney disease (MONDO:0002473), IFT140-related, is inherited in an autosomal dominant manner (OMIM, PMID: 34890546); Loss of function is a known mechanism of disease in this gene and is associated with retinitis pigmentosa 80 (MIM#617781), short-rib thoracic dysplasia 9 with or without polydactyly (MIM#266920) and cystic kidney disease (MONDO:0002473), IFT140-related (PMID: 34890546); The dominant condition associated with this gene may have incomplete penetrance. Parents of children with short-rib thoracic dysplasia 9 with or without polydactyly, who carry a single pathogenic variant that has also previously been associated with the dominant cystic kidney disease phenotype, have been reported as unaffected (PMID: 34890546). However, these parents weren't specifically assessed for cystic kidney disease; Inheritance information for this variant is not currently available in this individual.

Fulgent Genetics
Classification: Likely pathogenic for Saldino-Mainzer syndrome; Retinitis pigmentosa 80. Last evaluated: 2024-04-03. Review status: criteria provided, single submitter. Criteria: ACMG Guidelines, 2015. Collection method: clinical testing. Allele origin: germline.

CeGaT Center for Human Genetics Tuebingen
Classification: Likely pathogenic. Last evaluated: 2024-01-01. Review status: criteria provided, single submitter. Criteria: CeGaT Center For Human Genetics Tuebingen Variant Classification Criteria Version 2. Collection method: clinical testing. Allele origin: germline. Affected: yes. Observed: 1 variant allele.
Comment: IFT140: PVS1, PM2:Supporting

Blueprint Genetics
Classification: Likely pathogenic for IFT140-related disorders. Last evaluated: 2020-07-16. Review status: criteria provided, single submitter. Criteria: ACMG Guidelines, 2015. Collection method: clinical testing. Allele origin: germline. Affected: yes. Observed: 3 variant alleles.

Literature cited by the submitters: PubMed 22503633 (cited by Labcorp Genetics (formerly Invitae), Labcorp and Victorian Clinical Genetics Services, Murdoch Childrens Research Institute); PubMed 23418020 (cited by Labcorp Genetics (formerly Invitae), Labcorp); PubMed 24009529 (cited by Labcorp Genetics (formerly Invitae), Labcorp); PubMed 26216056 (cited by Labcorp Genetics (formerly Invitae), Labcorp); PubMed 36460718 (cited by Labcorp Genetics (formerly Invitae), Labcorp); PubMed 26968735 (cited by Victorian Clinical Genetics Services, Murdoch Childrens Research Institute); PubMed 34890546 (cited by Victorian Clinical Genetics Services, Murdoch Childrens Research Institute).